The following is an entry in ClinVar:

ClinVar aggregate classification (germline): Uncertain significance (1 of 4 stars; one submission).

Submission:

Labcorp Genetics (formerly Invitae), Labcorp
Classification: Uncertain significance. Last evaluated: 2022-12-20. Review status: criteria provided, single submitter. Criteria: Invitae Variant Classification Sherloc (09022015). Collection method: clinical testing. Allele origin: germline.
Comment: In summary, the available evidence is currently insufficient to determine the role of this variant in disease. Therefore, it has been classified as a Variant of Uncertain Significance. Advanced modeling of protein sequence and biophysical properties (such as structural, functional, and spatial information, amino acid conservation, physicochemical variation, residue mobility, and thermodynamic stability) performed at Invitae indicates that this missense variant is not expected to disrupt KMT2A protein function. This variant has not been reported in the literature in individuals affected with KMT2A-related conditions. This variant is not present in population databases (gnomAD no frequency). This sequence change replaces lysine, which is basic and polar, with arginine, which is basic and polar, at codon 2745 of the KMT2A protein (p.Lys2745Arg).

NM_001197104.2(KMT2A):c.8234A>G (p.Lys2745Arg)

Gene: KMT2A (lysine methyltransferase 2A; plus strand). Cytogenetic location: 11q23.3.
Variant type: single nucleotide variant.
Coding change: c.8234A>G on transcript NM_001197104.2 (MANE Select); coding-DNA position 8234, A replaced by G.
Protein change: p.Lys2745Arg; replaces lysine 2745 with arginine.
Molecular consequence: missense variant.
Genome position (GRCh38, 1-based): chr11:118,504,126, A>G. VCF-style: chr11-118504126-A-G. GRCh37 (hg19) VCF-style: chr11-118374841-A-G.
Other names: c.8324A>G, p.Lys2775Arg (NM_001412597.1); c.8225A>G, p.Lys2742Arg (NM_005933.4); short protein forms K2775R, K2745R, K2742R.
Identifiers: ClinVar variation 2822718 (VCV002822718.3), dbSNP rs2497007689, ClinGen allele CA382809336.